The following is an entry in ClinVar:

NM_182641.4(BPTF):c.2526A>C (p.Glu842Asp)

Gene: BPTF (bromodomain PHD finger transcription factor; plus strand). Cytogenetic location: 17q24.2.
Variant type: single nucleotide variant.
Coding change: c.2526A>C on transcript NM_182641.4 (MANE Select); coding-DNA position 2526, A replaced by C.
Protein change: p.Glu842Asp; replaces glutamic acid 842 with aspartic acid.
Molecular consequence: missense variant.
Genome position (GRCh38, 1-based): chr17:67,894,148, A>C. VCF-style: chr17-67894148-A-C. GRCh37 (hg19) VCF-style: chr17-65890264-A-C.
Other names: c.2715A>C, p.Glu905Asp (NM_001439139.1, NM_001439141.1, NM_001439143.1 and 1 more transcripts); c.2904A>C, p.Glu968Asp (NM_001439140.1, NM_001439142.1, NM_004459.7); short protein forms E842D, E905D, E968D.
Identifiers: ClinVar variation 5009807 (VCV005009807.1).

ClinVar aggregate classification (germline): Uncertain significance (1 of 4 stars; one submission).

Submission:

GeneDx
Classification: Uncertain significance. Last evaluated: 2026-02-19. Review status: criteria provided, single submitter. Criteria: GeneDx Variant Classification Process June 2021. Collection method: clinical testing. Allele origin: germline.
Comment: Not observed at significant frequency in large population cohorts (gnomAD); In silico analysis suggests that this missense variant does not alter protein structure/function; Has not been previously published as pathogenic or benign to our knowledge